The following is an entry in ClinVar:

ClinVar aggregate classification (germline): Uncertain significance. Review status: criteria provided, multiple submitters, no conflicts (2 of 4 stars). 2 submissions from 2 submitters: Uncertain significance (2). Last evaluated 2024-02-15.

gnomAD v4.1: 1 of 1,613,972 alleles (0.000062%); highest among the groups gnomAD compares: Non-Finnish European, 0.000085%; no homozygotes.

Submissions (2):

Labcorp Genetics (formerly Invitae), Labcorp
Classification: Uncertain significance. Last evaluated: 2024-02-15. Review status: criteria provided, single submitter. Criteria: Invitae Variant Classification Sherloc (09022015). Collection method: clinical testing. Allele origin: germline.
Comment: This sequence change replaces asparagine, which is neutral and polar, with serine, which is neutral and polar, at codon 4597 of the USH2A protein (p.Asn4597Ser). This variant is present in population databases (no rsID available, gnomAD 0.0009%). This variant has not been reported in the literature in individuals affected with USH2A-related conditions. Advanced modeling of protein sequence and biophysical properties (such as structural, functional, and spatial information, amino acid conservation, physicochemical variation, residue mobility, and thermodynamic stability) performed at Invitae indicates that this missense variant is not expected to disrupt USH2A protein function with a negative predictive value of 95%. In summary, the available evidence is currently insufficient to determine the role of this variant in disease. Therefore, it has been classified as a Variant of Uncertain Significance.

Blueprint Genetics
Classification: Uncertain significance. Last evaluated: 2021-12-28. Review status: criteria provided, single submitter. Criteria: ACMG Guidelines, 2015. Collection method: clinical testing. Allele origin: germline.

NM_206933.4(USH2A):c.13790A>G (p.Asn4597Ser)

Gene: USH2A (usherin; minus strand). Cytogenetic location: 1q41.
Variant type: single nucleotide variant.
Coding change: c.13790A>G on transcript NM_206933.4 (MANE Select); coding-DNA position 13790, A replaced by G.
Protein change: p.Asn4597Ser; replaces asparagine 4597 with serine.
Molecular consequence: missense variant.
Genome position (GRCh38, 1-based): chr1:215,674,121, T>C on the plus strand (A>G on the coding strand, the complement: USH2A is on the minus strand). VCF-style: chr1-215674121-T-C. GRCh37 (hg19) VCF-style: chr1-215847463-T-C.
Other names: short protein forms N4597S.
Identifiers: ClinVar variation 3703488 (VCV003703488.3).